The following is an entry in ClinVar:

NM_144670.6(A2ML1):c.3718-2del

Gene: A2ML1 (alpha-2-macroglobulin like 1; plus strand). Cytogenetic location: 12p13.31.
Variant type: Deletion.
Coding change: c.3718-2del on transcript NM_144670.6 (MANE Select); the canonical splice acceptor site of the intron before coding-DNA position 3718, one base deleted (A; older notation c.3718-2delA).
Molecular consequence: splice acceptor variant.
Genome position (GRCh38, 1-based): chr12:8,867,840, A deleted. VCF-style (leftmost placement, unchanged base first): chr12-8867839-CA-C. GRCh37 (hg19) VCF-style: chr12-9020435-CA-C.
Other names: c.2245-2del (NM_001282424.3).
Identifiers: ClinVar variation 1415558 (VCV001415558.27), dbSNP rs2136956753, ClinGen allele CA2573148439.

ClinVar aggregate classification (germline): Uncertain significance. Review status: criteria provided, multiple submitters, no conflicts (2 of 4 stars). 2 submissions from 2 submitters: Uncertain significance (2). Last evaluated 2024-06-01.

Allele frequency attached by ClinVar (database versions not stated): gnomAD exomes below 0.00001.

Submissions (2):

CeGaT Center for Human Genetics Tuebingen
Classification: Uncertain significance. Last evaluated: 2024-06-01. Review status: criteria provided, single submitter. Criteria: CeGaT Center For Human Genetics Tuebingen Variant Classification Criteria Version 2. Collection method: clinical testing. Allele origin: germline. Affected: yes. Observed: 1 variant allele.
Comment: A2ML1: PM2, PP3

Labcorp Genetics (formerly Invitae), Labcorp
Classification: Uncertain significance. Last evaluated: 2021-05-13. Review status: criteria provided, single submitter. Criteria: Invitae Variant Classification Sherloc (09022015). Collection method: clinical testing. Allele origin: germline.
Comment: In summary, the available evidence is currently insufficient to determine the role of this variant in disease. Therefore, it has been classified as a Variant of Uncertain Significance. Algorithms developed to predict the effect of sequence changes on RNA splicing suggest that this variant may disrupt the consensus splice site, but this prediction has not been confirmed by published transcriptional studies. This variant has not been reported in the literature in individuals with A2ML1-related conditions. This variant is not present in population databases (ExAC no frequency). This sequence change affects a splice site in intron 29 of the A2ML1 gene. It is expected to disrupt RNA splicing. Variants that disrupt the donor or acceptor splice site typically lead to a loss of protein function (PMID: 16199547), however the current clinical and genetic evidence is not sufficient to establish whether loss-of-function variants in A2ML1 cause disease.

Literature cited by the submitters: PubMed 16199547 (cited by Labcorp Genetics (formerly Invitae), Labcorp).